The following is an entry in ClinVar:

NM_017721.5(CC2D1A):c.1221A>G (p.Pro407=)

Gene: CC2D1A (coiled-coil and C2 domain containing 1A; plus strand). Cytogenetic location: 19p13.12.
Variant type: single nucleotide variant.
Coding change: c.1221A>G on transcript NM_017721.5 (MANE Select); coding-DNA position 1221, A replaced by G.
Protein change: p.Pro407=; no amino-acid change (proline 407 retained).
Molecular consequence: synonymous variant.
Genome position (GRCh38, 1-based): chr19:13,919,201, A>G. VCF-style: chr19-13919201-A-G. GRCh37 (hg19) VCF-style: chr19-14030014-A-G.
Other names: c.1221A>G, p.Pro407= (NM_001411138.1).
Identifiers: ClinVar variation 3771312 (VCV003771312.13).
Genomic context (GRCh38, chr19:13,919,201, plus strand): 5'-TGCCATCCGAGCCCACAAGGCTGGCCGAGCCGTGGATGTCGCTGAATTGCCCGTGCCCCC[A>G]GGTAGGCCTTGCCCCTGTAGGCCTCGCCCCAGTAGGCCCCGCCCCCGTAGGCCCCGCCCC-3'
Protein context (NP_060191.3, residues 397-417): AVDVAELPVP[Pro407=]GFPPIQGLEA

ClinVar aggregate classification (germline): Likely benign (1 of 4 stars; one submission).

gnomAD v4.1: 4 of 1,611,344 alleles (0.00025%); highest among the groups gnomAD compares: Admixed American, 0.0017%; no homozygotes.

Submission:

CeGaT Center for Human Genetics Tuebingen
Classification: Likely benign. Last evaluated: 2024-12-01. Review status: criteria provided, single submitter. Criteria: CeGaT Center For Human Genetics Tuebingen Variant Classification Criteria Version 2. Collection method: clinical testing. Allele origin: germline. Affected: yes. Observed: 1 variant allele.
Comment: CC2D1A: BP4, BP7